The following is an entry in ClinVar:

NM_014989.7(RIMS1):c.3208G>A (p.Ala1070Thr)

Gene: RIMS1 (regulating synaptic membrane exocytosis 1; plus strand). Cytogenetic location: 6q13.
Variant type: single nucleotide variant.
Coding change: c.3208G>A on transcript NM_014989.7 (MANE Select); coding-DNA position 3208, G replaced by A.
Protein change: p.Ala1070Thr; replaces alanine 1070 with threonine.
Molecular consequence: missense variant. On other transcripts: intron variant (62).
Genome position (GRCh38, 1-based): chr6:72,265,403, G>A. VCF-style: chr6-72265403-G-A. GRCh37 (hg19) VCF-style: chr6-72975106-G-A.
Other names: c.1627G>A, p.Ala543Thr (NM_001350436.2); c.1470-557G>A (NM_001350428.2, NM_001350459.2, NM_001350424.2 and 1 more transcripts); c.1467-557G>A (NM_001350437.2, NM_001350430.2, NM_001350421.2 and 1 more transcripts); c.1616+351G>A (NM_001350458.2); c.1539-557G>A (NM_001350433.2, NM_001350446.2, NM_001350442.2 and 8 more transcripts); c.1538+4636G>A (NM_001350431.2); c.1476-557G>A (NM_001350457.2); c.1475+6292G>A (NM_001350460.2, NM_001350426.2, NM_001350429.2 and 1 more transcripts); and 14 more; short protein forms A1070T, A543T.
Identifiers: ClinVar variation 1931193 (VCV001931193.5), dbSNP rs757316065, ClinGen allele CA3886177.

ClinVar aggregate classification (germline): Uncertain significance (1 of 4 stars; one submission).

Allele frequency attached by ClinVar (database versions not stated): TOPMed below 0.00001; ExAC 0.00001; gnomAD exomes 0.00001.
gnomAD v4.1: 14 of 1,589,592 alleles (0.00088%); highest among the groups gnomAD compares: Middle Eastern, 0.05%; no homozygotes.

Submission:

Labcorp Genetics (formerly Invitae), Labcorp
Classification: Uncertain significance. Last evaluated: 2024-08-08. Review status: criteria provided, single submitter. Criteria: Invitae Variant Classification Sherloc (09022015). Collection method: clinical testing. Allele origin: germline.
Comment: This sequence change replaces alanine, which is neutral and non-polar, with threonine, which is neutral and polar, at codon 1070 of the RIMS1 protein (p.Ala1070Thr). This variant is present in population databases (rs757316065, gnomAD 0.003%). This variant has not been reported in the literature in individuals affected with RIMS1-related conditions. ClinVar contains an entry for this variant (Variation ID: 1931193). An algorithm developed to predict the effect of missense changes on protein structure and function outputs the following: PolyPhen-2: "Benign". The threonine amino acid residue is found in multiple mammalian species, which suggests that this missense change does not adversely affect protein function. In summary, the available evidence is currently insufficient to determine the role of this variant in disease. Therefore, it has been classified as a Variant of Uncertain Significance.